The following is an entry in ClinVar:

NM_001009944.3(PKD1):c.11538-2del

Genes: PKD1 (polycystin 1, transient receptor potential channel interacting; minus strand), PKD1-AS1 (PKD1 antisense RNA 1; plus strand). Cytogenetic location: 16p13.3.
Variant type: Deletion.
Coding change: c.11538-2del on transcript NM_001009944.3 (MANE Select); the canonical splice acceptor site of the intron before coding-DNA position 11538, one base deleted (A; older notation c.11538-2delA).
Molecular consequence: splice acceptor variant. On other transcripts: non-coding transcript variant (1).
Genome position (GRCh38, 1-based): chr16:2,091,599, T deleted on the plus strand (A on the coding strand, the reverse complement: PKD1 is on the minus strand). VCF-style (leftmost placement, unchanged base first): chr16-2091598-CT-C. GRCh37 (hg19) VCF-style: chr16-2141599-CT-C.
Other names: c.11535-2del (NM_000296.4); c.11538-2delA (NM_001009944.2).
Identifiers: ClinVar variation 440105 (VCV000440105.9), dbSNP rs1555445595, ClinGen allele CA645509210.

ClinVar aggregate classification (germline): Pathogenic. Review status: criteria provided, multiple submitters, no conflicts (2 of 4 stars). 2 submissions from 2 submitters: Pathogenic (2). Last evaluated 2025-08-21.

Conditions:
PKD1-related disorder. Also called: PKD1-related condition.

Submissions (2):

PreventionGenetics, part of Exact Sciences
Classification: Pathogenic for PKD1-related condition. Last evaluated: 2025-08-21. Review status: criteria provided, single submitter. Criteria: ACMG Guidelines, 2015. Collection method: clinical testing. Allele origin: germline.
Comment: The PKD1 c.11538-2delA variant is predicted to result in a deletion affecting a canonical splice site. This canonical splice variant has been reported in an individual with polycystic kidney disease (Hogan et al. 2015. PubMed ID: 25475747). This variant has not been reported in a large population database (gnomAD), indicating this variant is rare. Abnormal canonical splice site variants in this gene are expected to be pathogenic. This variant is interpreted as pathogenic.

ARUP Laboratories, Molecular Genetics and Genomics, ARUP Laboratories
Classification: Pathogenic. Last evaluated: 2016-11-23. Review status: criteria provided, single submitter. Criteria: ARUP Molecular Germline Variant Investigation Process. Collection method: clinical testing. Allele origin: germline.